The following is an entry in ClinVar:

NM_000091.5(COL4A3):c.4502C>A (p.Pro1501Gln)

Genes: COL4A3 (collagen type IV alpha 3 chain; plus strand), MFF-DT (MFF divergent transcript; minus strand). Cytogenetic location: 2q36.3.
Variant type: single nucleotide variant.
Coding change: c.4502C>A on transcript NM_000091.5 (MANE Select); coding-DNA position 4502, C replaced by A.
Protein change: p.Pro1501Gln; replaces proline 1501 with glutamine.
Molecular consequence: missense variant.
Genome position (GRCh38, 1-based): chr2:227,308,938, C>A. VCF-style: chr2-227308938-C-A. GRCh37 (hg19) VCF-style: chr2-228173654-C-A.
Other names: short protein forms P1501Q.
Identifiers: ClinVar variation 551687 (VCV000551687.10), dbSNP rs1553766363, ClinGen allele CA350864934.

ClinVar aggregate classification (germline): Uncertain significance. Review status: criteria provided, multiple submitters, no conflicts (2 of 4 stars). 5 submissions from 5 submitters: Uncertain significance (4). 1 of the submissions does not count toward it. Last evaluated 2026-09-05.

Conditions:
Autosomal dominant Alport syndrome (ATS3A). Also called: Alport syndrome dominant type; Renal failure and sensorineural hearing loss; ALPORT SYNDROME 3A, AUTOSOMAL DOMINANT. Identifiers: Orphanet 63, Orphanet 88918, MedGen C5882663, MONDO:0007086, OMIM 104200.
Hematuria, benign familial, 2 (BFH2). Identifiers: MedGen C5830421, MONDO:0958186, OMIM 620320.
Alport syndrome 3b, autosomal recessive. Identifiers: MedGen C5882699, MONDO:0957811, OMIM 620536.
Autosomal recessive Alport syndrome (ATS2). Also called: COL4A4 Alport Syndrome and Thin Basement Membrane Nephropathy; ALPORT SYNDROME 2, AUTOSOMAL RECESSIVE; COL4A3-Related Nephropathy; Alport syndrome type 2. Identifiers: Orphanet 63, Orphanet 88919, MedGen C4746745, MONDO:0008762, OMIM 203780.

gnomAD v4.1: 3 of 1,614,160 alleles (0.00019%); highest among the groups gnomAD compares: Non-Finnish European, 0.00025%; no homozygotes.

Submissions (5):

GeneDx
Classification: Uncertain significance. Last evaluated: 2026-09-05. Review status: criteria provided, single submitter. Criteria: GeneDx Variant Classification Process June 2021. Collection method: clinical testing. Allele origin: germline.
Comment: Identified with a second variant (phase unknown) in a patient with hematuric nephropathy in published literature (PMID: 24854265); Not observed at significant frequency in large population cohorts (gnomAD); In silico analysis supports that this missense variant has a deleterious effect on protein structure/function; This variant is associated with the following publications: (PMID: 24854265)

Labcorp Genetics (formerly Invitae), Labcorp
Classification: Uncertain significance. Last evaluated: 2025-09-24. Review status: criteria provided, single submitter. Criteria: Invitae Variant Classification Sherloc (09022015). Collection method: clinical testing. Allele origin: germline.
Comment: This sequence change replaces proline, which is neutral and non-polar, with glutamine, which is neutral and polar, at codon 1501 of the COL4A3 protein (p.Pro1501Gln). This variant is not present in population databases (gnomAD no frequency). This missense change has been observed in individual(s) with clinical features of Alport syndrome (PMID: 24854265). ClinVar contains an entry for this variant (Variation ID: 551687). Invitae Evidence Modeling of protein sequence and biophysical properties (such as structural, functional, and spatial information, amino acid conservation, physicochemical variation, residue mobility, and thermodynamic stability) indicates that this missense variant is expected to disrupt COL4A3 protein function with a positive predictive value of 80%. In summary, the available evidence is currently insufficient to determine the role of this variant in disease. Therefore, it has been classified as a Variant of Uncertain Significance.

Fulgent Genetics
Classification: Uncertain significance for Autosomal dominant Alport syndrome; Hematuria, benign familial, 2; Alport syndrome 3b, autosomal recessive. Last evaluated: 2024-01-22. Review status: criteria provided, single submitter. Criteria: ACMG Guidelines, 2015. Collection method: clinical testing. Allele origin: germline.

Breakthrough Genomics
Classification: Uncertain significance. Review status: criteria provided, single submitter. Criteria: ACMG Guidelines, 2015. Collection method: not provided. Allele origin: germline. Inheritance: Autosomal recessive inheritance. Affected: yes.

Counsyl
Classification: Uncertain significance for Autosomal recessive Alport syndrome. Last evaluated: 2017-05-01. Review status: no assertion criteria provided. Collection method: clinical testing. Allele origin: unknown. Not counted in ClinVar's aggregate classification.

Literature cited by the submitters: PubMed 24854265 (cited by Labcorp Genetics (formerly Invitae), Labcorp and Counsyl).